The following is an entry in ClinVar:

ClinVar aggregate classification (germline): Uncertain significance (1 of 4 stars; one submission).

Allele frequency attached by ClinVar (database versions not stated): gnomAD 0.00003; ExAC 0.00008; 1000 Genomes Project 0.00040; 1000 Genomes Project 30x 0.00047.
gnomAD v4.1: 39 of 1,614,194 alleles (0.0024%); highest among the groups gnomAD compares: South Asian, 0.041%; no homozygotes.

Submission:

Labcorp Genetics (formerly Invitae), Labcorp
Classification: Uncertain significance. Last evaluated: 2023-12-23. Review status: criteria provided, single submitter. Criteria: Invitae Variant Classification Sherloc (09022015). Collection method: clinical testing. Allele origin: germline.
Comment: This sequence change replaces tyrosine, which is neutral and polar, with aspartic acid, which is acidic and polar, at codon 688 of the ROR2 protein (p.Tyr688Asp). This variant is present in population databases (rs199506849, gnomAD 0.04%). This variant has not been reported in the literature in individuals affected with ROR2-related conditions. ClinVar contains an entry for this variant (Variation ID: 1957900). Advanced modeling of protein sequence and biophysical properties (such as structural, functional, and spatial information, amino acid conservation, physicochemical variation, residue mobility, and thermodynamic stability) performed at Invitae indicates that this missense variant is expected to disrupt ROR2 protein function with a positive predictive value of 80%. In summary, the available evidence is currently insufficient to determine the role of this variant in disease. Therefore, it has been classified as a Variant of Uncertain Significance.

NM_004560.4(ROR2):c.2062T>G (p.Tyr688Asp)

Gene: ROR2 (receptor tyrosine kinase like orphan receptor 2; minus strand). Cytogenetic location: 9q22.31.
Variant type: single nucleotide variant.
Coding change: c.2062T>G on transcript NM_004560.4 (MANE Select); coding-DNA position 2062, T replaced by G.
Protein change: p.Tyr688Asp; replaces tyrosine 688 with aspartic acid.
Molecular consequence: missense variant.
Genome position (GRCh38, 1-based): chr9:91,724,432, A>C on the plus strand (T>G on the coding strand, the complement: ROR2 is on the minus strand). VCF-style: chr9-91724432-A-C. GRCh37 (hg19) VCF-style: chr9-94486714-A-C.
Other names: short protein forms Y688D.
Identifiers: ClinVar variation 1957900 (VCV001957900.5), dbSNP rs199506849, ClinGen allele CA5120499.
Genomic context (GRCh38, chr9:91,724,432, plus strand): 5'-GGTTCCGGATCATCTCCACCACATCCTGGTTGGAGTACCCGCAGTAGGGCTGCAGGCCGT[A>C]GCTGAAGACCTCCCACAGGACCACACCGTAGGACCAGATGTCTGAGTCGATGGAGAACTT-3'
Protein context (NP_004551.2, residues 678-698): YGVVLWEVFS[Tyr688Asp]GLQPYCGYSN